The following is an entry in ClinVar:

NM_000557.5(GDF5):c.912G>C (p.Lys304Asn)

Genes: GDF5 (growth differentiation factor 5; minus strand), GDF5-AS1 (GDF5 antisense RNA 1; plus strand). Cytogenetic location: 20q11.22.
Variant type: single nucleotide variant.
Coding change: c.912G>C on transcript NM_000557.5 (MANE Select); coding-DNA position 912, G replaced by C.
Protein change: p.Lys304Asn; replaces lysine 304 with asparagine.
Molecular consequence: missense variant. On other transcripts: non-coding transcript variant (1).
Genome position (GRCh38, 1-based): chr20:35,434,503, C>G on the plus strand (G>C on the coding strand, the complement: GDF5 is on the minus strand). VCF-style: chr20-35434503-C-G. GRCh37 (hg19) VCF-style: chr20-34022301-C-G.
Other names: c.912G>C, p.Lys304Asn (NM_001319138.2); short protein forms K304N.
Identifiers: ClinVar variation 4620700 (VCV004620700.1).

ClinVar aggregate classification (germline): Uncertain significance (1 of 4 stars; one submission).

Conditions:
Inborn genetic diseases. Identifiers: MedGen C0950123, MeSH D030342.

gnomAD v4.1: 3 of 1,607,750 alleles (0.00019%); highest among the groups gnomAD compares: South Asian, 0.0022%; no homozygotes.

Submission:

Ambry Genetics
Classification: Uncertain significance for Inborn genetic diseases. Last evaluated: 2025-09-27. Review status: criteria provided, single submitter. Criteria: Ambry Variant Classification Scheme 2023. Collection method: clinical testing. Allele origin: germline.
Comment: The c.912G>C (p.K304N) alteration is located in exon 2 (coding exon 2) of the GDF5 gene. This alteration results from a G to C substitution at nucleotide position 912, causing the lysine (K) at amino acid position 304 to be replaced by an asparagine (N). Based on data from gnomAD, the C allele has an overall frequency of <0.001% (1/240862) total alleles studied. The highest observed frequency was 0.003% (1/30070) of South Asian alleles. Based on insufficient or conflicting evidence, the clinical significance of this alteration remains unclear.